The following is an entry in ClinVar:

NM_014263.4(YME1L1):c.33+5G>A

Gene: YME1L1 (YME1 like 1 ATPase; minus strand). Cytogenetic location: 10p12.1.
Variant type: single nucleotide variant.
Coding change: c.33+5G>A on transcript NM_014263.4 (MANE Select); 5 bases into the intron after coding-DNA position 33, G replaced by A.
Molecular consequence: intron variant.
Genome position (GRCh38, 1-based): chr10:27,154,173, C>T on the plus strand (G>A on the coding strand, the complement: YME1L1 is on the minus strand). VCF-style: chr10-27154173-C-T. GRCh37 (hg19) VCF-style: chr10-27443102-C-T.
Other names: c.33+5G>A (NM_001253866.2, NM_139312.3).
Identifiers: ClinVar variation 4755227 (VCV004755227.1).

ClinVar aggregate classification (germline): Uncertain significance (1 of 4 stars; one submission).

Submission:

Labcorp Genetics (formerly Invitae), Labcorp
Classification: Uncertain significance. Last evaluated: 2025-09-24. Review status: criteria provided, single submitter. Criteria: Invitae Variant Classification Sherloc (09022015). Collection method: clinical testing. Allele origin: germline.
Comment: This sequence change falls in intron 1 of the YME1L1 gene. It does not directly change the encoded amino acid sequence of the YME1L1 protein. It affects a nucleotide within the consensus splice site. The frequency data for this variant in the population databases is considered unreliable, as metrics indicate poor data quality at this position in the gnomAD database. This variant has not been reported in the literature in individuals affected with YME1L1-related conditions. Variants that disrupt the consensus splice site are a relatively common cause of aberrant splicing (PMID: 17576681, 9536098). Algorithms developed to predict the effect of sequence changes on RNA splicing suggest that this variant may disrupt the consensus splice site. In summary, the available evidence is currently insufficient to determine the role of this variant in disease. Therefore, it has been classified as a Variant of Uncertain Significance.

Literature cited by the submitters: PubMed 17576681; PubMed 9536098.